The following is an entry in ClinVar:

ClinVar aggregate classification (germline): Pathogenic (1 of 4 stars; one submission).

Conditions:
Neurofibromatosis, type 1 (NF1). Also called: Peripheral type neurofibromatosis; VON RECKLINGHAUSEN DISEASE; Neurofibromatosis, type I; NEUROFIBROMATOSIS, TYPE I, SOMATIC. Identifiers: Orphanet 636, MedGen C0027831, MONDO:0018975, OMIM 162200. Disease mechanism: loss of function.

Submission:

Labcorp Genetics (formerly Invitae), Labcorp
Classification: Pathogenic for Neurofibromatosis, type 1. Last evaluated: 2024-02-13. Review status: criteria provided, single submitter. Criteria: Invitae Variant Classification Sherloc (09022015). Collection method: clinical testing. Allele origin: germline.
Comment: This sequence change creates a premature translational stop signal (p.Ile86Tyrfs*17) in the NF1 gene. It is expected to result in an absent or disrupted protein product. Loss-of-function variants in NF1 are known to be pathogenic (PMID: 10712197, 23913538). This variant is not present in population databases (gnomAD no frequency). This variant has not been reported in the literature in individuals affected with NF1-related conditions. For these reasons, this variant has been classified as Pathogenic.

Literature cited by the submitters: PubMed 10712197; PubMed 23913538.

NM_001042492.3(NF1):c.256del (p.Ile86fs)

Gene: NF1 (neurofibromin 1; plus strand). Cytogenetic location: 17q11.2.
Variant type: Deletion.
Coding change: c.256del on transcript NM_001042492.3 (MANE Select); coding-DNA position 256, one base deleted (A; older notation c.256delA).
Protein change: p.Ile86fs; shifts the reading frame from isoleucine 86.
Molecular consequence: frameshift variant.
Genome position (GRCh38, 1-based): chr17:31,159,061, A deleted. VCF-style (leftmost placement, unchanged base first): chr17-31159060-TA-T. GRCh37 (hg19) VCF-style: chr17-29486078-TA-T.
Other names: c.256delA, p.Ile86Tyrfs (NM_000267.4); c.256del, p.Ile86fs (NM_001128147.3); short protein forms I86fs.
Identifiers: ClinVar variation 2701190 (VCV002701190.3), dbSNP rs2544690691, ClinGen allele CA2697559529.